The following is an entry in ClinVar:

ClinVar aggregate classification (germline): Uncertain significance (1 of 4 stars; one submission).

Conditions:
Epidermolysis bullosa simplex with nail dystrophy (EBS5D). Identifiers: MedGen C4225309, MONDO:0014661, OMIM 616487.
Epidermolysis bullosa simplex, Ogna type (EBS5A). Also called: Pidermolysis bullosa simplex 5A, Ogna type; EPIDERMOLYSIS BULLOSA SIMPLEX 5A, OGNA TYPE. Identifiers: Orphanet 79401, MedGen C0432317, MONDO:0007555, OMIM 131950.
Autosomal recessive limb-girdle muscular dystrophy type 2Q (LGMDR17). Also called: MUSCULAR DYSTROPHY, LIMB-GIRDLE, AUTOSOMAL RECESSIVE 17. Identifiers: Orphanet 254361, MedGen C3150989, MONDO:0013390, OMIM 613723.
Epidermolysis bullosa simplex 5B, with muscular dystrophy (EBS5B). Also called: EPIDERMOLYSIS BULLOSA SIMPLEX AND LIMB-GIRDLE MUSCULAR DYSTROPHY; Epidermolysis bullosa simplex with muscular dystrophy. Identifiers: Orphanet 257, MedGen C2931072, MONDO:0009181, OMIM 226670.
Epidermolysis bullosa simplex 5C, with pyloric atresia (EBS5C). Also called: PLEC-Related Epidermolysis Bullosa with Pyloric Atresia; Epidermolysis bullosa simplex with pyloric atresia; PLEC1-Related Epidermolysis Bullosa with Pyloric Atresia. Identifiers: Orphanet 158684, MedGen C2677349, MONDO:0012807, OMIM 612138.

Submission:

Labcorp Genetics (formerly Invitae), Labcorp
Classification: Uncertain significance for Autosomal recessive limb-girdle muscular dystrophy type 2Q; Epidermolysis bullosa simplex, Ogna type; Epidermolysis bullosa simplex with nail dystrophy; Epidermolysis bullosa simplex 5C, with pyloric atresia; Epidermolysis bullosa simplex 5B, with muscular dystrophy. Last evaluated: 2024-04-20. Review status: criteria provided, single submitter. Criteria: Invitae Variant Classification Sherloc (09022015). Collection method: clinical testing. Allele origin: germline.
Comment: This sequence change replaces alanine, which is neutral and non-polar, with asparagine, which is neutral and polar, at codon 4535 of the PLEC protein (p.Ala4535Asn). Information on the frequency of this variant in the gnomAD database is not available, as this variant may be reported differently in the database. This variant has not been reported in the literature in individuals affected with PLEC-related conditions. Experimental studies and prediction algorithms are not available or were not evaluated, and the functional significance of this variant is currently unknown. In summary, the available evidence is currently insufficient to determine the role of this variant in disease. Therefore, it has been classified as a Variant of Uncertain Significance.

NM_201384.3(PLEC):c.13522_13523delinsAA (p.Ala4508Asn)

Gene: PLEC (plectin; minus strand). Cytogenetic location: 8q24.3.
Variant type: Indel.
Coding change: c.13522_13523delinsAA on transcript NM_201384.3 (MANE Select); coding-DNA positions 13522 to 13523, GC replaced by AA.
Protein change: p.Ala4508Asn; replaces alanine 4508 with asparagine.
Molecular consequence: missense variant.
Genome position (GRCh38, 1-based): chr8:143,916,298-143,916,299, GC replaced by TT on the plus strand (GC replaced by AA on the coding strand, the reverse complement: PLEC is on the minus strand). VCF-style: chr8-143916298-GC-TT. GRCh37 (hg19) VCF-style: chr8-144990466-GC-TT.
Other names: c.13603_13604delinsAA, p.Ala4535Asn (NM_000445.5); c.10222_10223delinsAA, p.Ala3408Asn (NM_001410941.1); c.13480_13481delinsAA, p.Ala4494Asn (NM_201378.4); c.13456_13457delinsAA, p.Ala4486Asn (NM_201379.3); c.13933_13934delinsAA, p.Ala4645Asn (NM_201380.4); c.13426_13427delinsAA, p.Ala4476Asn (NM_201381.3); c.13522_13523delinsAA, p.Ala4508Asn (NM_201382.4); c.13534_13535delinsAA, p.Ala4512Asn (NM_201383.3); short protein forms A3408N, A4476N, A4486N, A4494N, A4508N, A4512N, A4535N, A4645N.
Identifiers: ClinVar variation 3755481 (VCV003755481.2).